The following is an entry in ClinVar:

NM_005188.4(CBL):c.1121T>A (p.Met374Lys)

Gene: CBL (Cbl proto-oncogene; plus strand). Cytogenetic location: 11q23.3.
Variant type: single nucleotide variant.
Coding change: c.1121T>A on transcript NM_005188.4 (MANE Select); coding-DNA position 1121, T replaced by A.
Protein change: p.Met374Lys; replaces methionine 374 with lysine.
Molecular consequence: missense variant.
Genome position (GRCh38, 1-based): chr11:119,278,191, T>A. VCF-style: chr11-119278191-T-A. GRCh37 (hg19) VCF-style: chr11-119148901-T-A.
Other names: short protein forms M374K.
Identifiers: ClinVar variation 4800609 (VCV004800609.1).

ClinVar aggregate classification (germline): Uncertain significance (1 of 4 stars; one submission).

Conditions:
RASopathy. Also called: rasopathies; Noonan spectrum disorder. Identifiers: Orphanet 536391, MedGen C5555857, MONDO:0021060.

Submission:

Labcorp Genetics (formerly Invitae), Labcorp
Classification: Uncertain significance for RASopathy. Last evaluated: 2025-02-26. Review status: criteria provided, single submitter. Criteria: Invitae Variant Classification Sherloc (09022015). Collection method: clinical testing. Allele origin: germline.
Comment: This sequence change replaces methionine, which is neutral and non-polar, with lysine, which is basic and polar, at codon 374 of the CBL protein (p.Met374Lys). This variant is not present in population databases (gnomAD no frequency). This variant has not been reported in the literature in individuals affected with CBL-related conditions. Invitae Evidence Modeling of protein sequence and biophysical properties (such as structural, functional, and spatial information, amino acid conservation, physicochemical variation, residue mobility, and thermodynamic stability) indicates that this missense variant is expected to disrupt CBL protein function with a positive predictive value of 95%. In summary, the available evidence is currently insufficient to determine the role of this variant in disease. Therefore, it has been classified as a Variant of Uncertain Significance.